The following is an entry in ClinVar:

NM_022464.5(SIL1):c.1255G>A (p.Gly419Ser)

Gene: SIL1 (SIL1 nucleotide exchange factor; minus strand). Cytogenetic location: 5q31.2.
Variant type: single nucleotide variant.
Coding change: c.1255G>A on transcript NM_022464.5 (MANE Select); coding-DNA position 1255, G replaced by A.
Protein change: p.Gly419Ser; replaces glycine 419 with serine.
Molecular consequence: missense variant.
Genome position (GRCh38, 1-based): chr5:138,947,248, C>T on the plus strand (G>A on the coding strand, the complement: SIL1 is on the minus strand). VCF-style: chr5-138947248-C-T. GRCh37 (hg19) VCF-style: chr5-138282937-C-T.
Other names: c.1255G>A, p.Gly419Ser (NM_001037633.2); short protein forms G419S.
Identifiers: ClinVar variation 96084 (VCV000096084.14), dbSNP rs398124389, ClinGen allele CA223719.
Genomic context (GRCh38, chr5:138,947,248, plus strand): 5'-CCTGCAGCTCCAGGCTGGCCAGCACCTGGTACTCAGCCTGCAGGCTGGCCAGTGTCCTGC[C>T]GAGCTGGGGGTCCTGACGGTAGCGGTCCCGGCAGGTGGTCAGGAGGACGCCCAGTGTCTG-3'
Protein context (NP_071909.1, residues 409-429): RDRYRQDPQL[Gly419Ser]RTLASLQAEY

ClinVar aggregate classification (germline): Uncertain significance. Review status: criteria provided, multiple submitters, no conflicts (2 of 4 stars). 5 submissions from 5 submitters: Uncertain significance (5). Last evaluated 2024-01-18.

Conditions:
Marinesco-Sjögren syndrome (MSS). Also called: Marinesco-Sjogren Syndrome; Marinesco-SjÃ¶gren syndrome. Identifiers: Orphanet 559, MedGen C0024814, MONDO:0009567, OMIM 248800.

Allele frequency attached by ClinVar (database versions not stated): TOPMed 0.00003; ExAC 0.00002.
gnomAD v4.1: 38 of 1,613,392 alleles (0.0024%); highest among the groups gnomAD compares: Admixed American, 0.03%; no homozygotes.

Submissions (5):

Revvity Omics, Revvity
Classification: Uncertain significance for Marinesco-Sjögren syndrome. Last evaluated: 2024-01-18. Review status: criteria provided, single submitter. Criteria: ACMG Guidelines, 2015. Collection method: clinical testing. Allele origin: germline.

Athena Diagnostics
Classification: Uncertain significance. Last evaluated: 2023-06-09. Review status: criteria provided, single submitter. Criteria: Athena Diagnostics Criteria. Collection method: clinical testing. Allele origin: unknown.
Comment: Available data are insufficient to determine the clinical significance of the variant at this time. The frequency of this variant in the general population is uninformative in assessment of its pathogenicity. Computational tools predict that this variant is not damaging.

Labcorp Genetics (formerly Invitae), Labcorp
Classification: Uncertain significance for Marinesco-Sjögren syndrome. Last evaluated: 2022-08-13. Review status: criteria provided, single submitter. Criteria: Invitae Variant Classification Sherloc (09022015). Collection method: clinical testing. Allele origin: germline.
Comment: This sequence change replaces glycine, which is neutral and non-polar, with serine, which is neutral and polar, at codon 419 of the SIL1 protein (p.Gly419Ser). This variant is present in population databases (rs398124389, gnomAD 0.006%). This variant has not been reported in the literature in individuals affected with SIL1-related conditions. ClinVar contains an entry for this variant (Variation ID: 96084). Algorithms developed to predict the effect of missense changes on protein structure and function output the following: SIFT: "Tolerated"; PolyPhen-2: "Benign"; Align-GVGD: "Class C0". The serine amino acid residue is found in multiple mammalian species, which suggests that this missense change does not adversely affect protein function. In summary, the available evidence is currently insufficient to determine the role of this variant in disease. Therefore, it has been classified as a Variant of Uncertain Significance.

Eurofins Ntd Llc (ga)
Classification: Uncertain significance. Last evaluated: 2013-07-09. Review status: criteria provided, single submitter. Criteria: EGL Classification Definitions 2015. Collection method: clinical testing. Allele origin: germline. Observed: 1 variant allele, 1 heterozygote.

Breakthrough Genomics
Classification: Uncertain significance. Review status: criteria provided, single submitter. Criteria: ACMG Guidelines, 2015. Collection method: not provided. Allele origin: germline. Inheritance: Autosomal recessive inheritance. Affected: yes.